The following is an entry in ClinVar:

NM_003742.4(ABCB11):c.2886A>G (p.Ala962=)

Gene: ABCB11 (ATP binding cassette subfamily B member 11; minus strand). Cytogenetic location: 2q31.1.
Variant type: single nucleotide variant.
Coding change: c.2886A>G on transcript NM_003742.4 (MANE Select); coding-DNA position 2886, A replaced by G.
Protein change: p.Ala962=; no amino-acid change (alanine 962 retained).
Molecular consequence: synonymous variant.
Genome position (GRCh38, 1-based): chr2:168,935,354, T>C on the plus strand (A>G on the coding strand, the complement: ABCB11 is on the minus strand). VCF-style: chr2-168935354-T-C. GRCh37 (hg19) VCF-style: chr2-169791864-T-C.
Other names: c.2886A>G, p.Ala962= (LRG_1199t1).
Identifiers: ClinVar variation 434035 (VCV000434035.28), dbSNP rs201087979, ClinGen allele CA1951156.

ClinVar aggregate classification (germline): Conflicting classifications of pathogenicity. Review status: criteria provided, conflicting classifications (1 of 4 stars). 6 submissions from 6 submitters: Uncertain significance (2); Likely benign (3). 1 of the submissions does not count toward it. Last evaluated 2026-01-11.

Conditions:
ABCB11-related disorder. Also called: ABCB11-related condition.
Progressive familial intrahepatic cholestasis type 2. Identifiers: Orphanet 79304, MedGen C3489789, MONDO:0011156, OMIM 601847.

Allele frequency attached by ClinVar (database versions not stated): gnomAD exomes 0.00004 and 0.00007; ExAC 0.00009; 1000 Genomes Project 0.00020; 1000 Genomes Project 30x 0.00031; gnomAD 0.00038 and 0.00040; TOPMed 0.00039; ESP Exome Variant Server 0.00058.
gnomAD v4.1: 114 of 1,614,014 alleles (0.0071%); highest among the groups gnomAD compares: African/African-American, 0.14%; no homozygotes.

Submissions (6):

Labcorp Genetics (formerly Invitae), Labcorp
Classification: Likely benign. Last evaluated: 2026-01-11. Review status: criteria provided, single submitter. Criteria: Invitae Variant Classification Sherloc (09022015). Collection method: clinical testing. Allele origin: germline.

PreventionGenetics, part of Exact Sciences
Classification: Likely benign for ABCB11-related condition. Last evaluated: 2024-12-13. Review status: criteria provided, single submitter. Criteria: ACMG Guidelines, 2015. Collection method: clinical testing. Allele origin: germline.
Comment: This variant is classified as likely benign based on ACMG/AMP sequence variant interpretation guidelines (Richards et al. 2015 PMID: 25741868, with internal and published modifications).

Illumina Laboratory Services, Illumina
Classification: Uncertain significance for Progressive familial intrahepatic cholestasis type 2. Last evaluated: 2018-01-13. Review status: criteria provided, single submitter. Criteria: ICSL Variant Classification Criteria 13 December 2019. Collection method: clinical testing. Allele origin: germline.

Eurofins Ntd Llc (ga)
Classification: Uncertain significance. Last evaluated: 2017-02-17. Review status: criteria provided, single submitter. Criteria: EGL Classification Definitions 2015. Collection method: clinical testing. Allele origin: germline. Observed: 1 variant allele, 1 heterozygote.

Genetic Services Laboratory, University of Chicago
Classification: Likely benign. Last evaluated: 2016-02-25. Review status: criteria provided, single submitter. Criteria: ACMG Guidelines, 2015. Collection method: clinical testing. Allele origin: germline. Affected: no.

Natera, Inc.
Classification: Likely benign for Progressive familial intrahepatic cholestasis type 2. Last evaluated: 2020-03-06. Review status: no assertion criteria provided. Collection method: clinical testing. Allele origin: germline. Not counted in ClinVar's aggregate classification.